The following is an entry in ClinVar:

ClinVar aggregate classification (germline): Uncertain significance (1 of 4 stars; one submission).

Allele frequency attached by ClinVar (database versions not stated): ExAC 0.00001; gnomAD exomes 0.00001.
gnomAD v4.1: 3 of 1,613,714 alleles (0.00019%); highest among the groups gnomAD compares: Admixed American, 0.005%; no homozygotes.

Submission:

Labcorp Genetics (formerly Invitae), Labcorp
Classification: Uncertain significance. Last evaluated: 2022-07-19. Review status: criteria provided, single submitter. Criteria: Invitae Variant Classification Sherloc (09022015). Collection method: clinical testing. Allele origin: germline.
Comment: This variant is present in population databases (rs782251156, gnomAD 0.009%). This sequence change replaces serine, which is neutral and polar, with proline, which is neutral and non-polar, at codon 109 of the RBP3 protein (p.Ser109Pro). In summary, the available evidence is currently insufficient to determine the role of this variant in disease. Therefore, it has been classified as a Variant of Uncertain Significance. Algorithms developed to predict the effect of missense changes on protein structure and function output the following: SIFT: "Deleterious"; PolyPhen-2: "Benign"; Align-GVGD: "Class C0". The proline amino acid residue is found in multiple mammalian species, which suggests that this missense change does not adversely affect protein function. ClinVar contains an entry for this variant (Variation ID: 1061514). This variant has not been reported in the literature in individuals affected with RBP3-related conditions.

NM_002900.3(RBP3):c.325T>C (p.Ser109Pro)

Gene: RBP3 (retinol binding protein 3; plus strand). Cytogenetic location: 10q11.22.
Variant type: single nucleotide variant.
Coding change: c.325T>C on transcript NM_002900.3 (MANE Select); coding-DNA position 325, T replaced by C.
Protein change: p.Ser109Pro; replaces serine 109 with proline.
Molecular consequence: missense variant.
Genome position (GRCh38, 1-based): chr10:47,348,809, T>C. VCF-style: chr10-47348809-T-C. GRCh37 (hg19) VCF-style: chr10-48390553-A-G.
Other names: short protein forms S109P.
Identifiers: ClinVar variation 1061514 (VCV001061514.7), dbSNP rs782251156, ClinGen allele CA5487811.